The following is an entry in ClinVar:

NM_138433.5(KLHDC7B):c.1779T>A (p.Pro593=)

Genes: KLHDC7B (kelch domain containing 7B; plus strand), KLHDC7B-DT (KLHDC7B divergent transcript; minus strand). Cytogenetic location: 22q13.33.
Variant type: single nucleotide variant.
Coding change: c.1779T>A on transcript NM_138433.5 (MANE Select); coding-DNA position 1779, T replaced by A.
Protein change: p.Pro593=; no amino-acid change (proline 593 retained).
Molecular consequence: synonymous variant.
Genome position (GRCh38, 1-based): chr22:50,548,022, T>A. VCF-style: chr22-50548022-T-A. GRCh37 (hg19) VCF-style: chr22-50986451-T-A.
Identifiers: ClinVar variation 2653403 (VCV002653403.24), dbSNP rs1289959855, ClinGen allele CA754070832.

ClinVar aggregate classification (germline): Likely benign (1 of 4 stars; one submission).

Submission:

CeGaT Center for Human Genetics Tuebingen
Classification: Likely benign. Last evaluated: 2026-06-01. Review status: criteria provided, single submitter. Criteria: CeGaT Center For Human Genetics Tuebingen Variant Classification Criteria Version 2. Collection method: clinical testing. Allele origin: germline. Affected: yes. Observed: 5 variant alleles.
Comment: KLHDC7B: BP4, BP7